The following is an entry in ClinVar:

ClinVar aggregate classification (germline): Uncertain significance. Review status: criteria provided, multiple submitters, no conflicts (2 of 4 stars). 3 submissions from 3 submitters: Uncertain significance (3). Last evaluated 2025-05-21.

Conditions:
CACNA1F-related disorder. Also called: CACNA1F-related condition.

Allele frequency attached by ClinVar (database versions not stated): gnomAD 0.00002; gnomAD exomes 0.00003; ExAC 0.00006.
gnomAD v4.1: 33 of 1,193,222 alleles (0.0028%); highest among the groups gnomAD compares: Middle Eastern, 0.023%; no homozygotes.

Submissions (3):

PreventionGenetics, part of Exact Sciences
Classification: Uncertain significance for CACNA1F-related condition. Last evaluated: 2025-05-21. Review status: criteria provided, single submitter. Criteria: ACMG Guidelines, 2015. Collection method: clinical testing. Allele origin: germline.
Comment: The CACNA1F c.2072G>A variant is predicted to result in the amino acid substitution p.Arg691Gln. To our knowledge, this variant has not been reported in the literature. This variant is reported in 0.0063% of alleles in individuals of European (Non-Finnish) descent in gnomAD. At this time, the clinical significance of this variant is uncertain due to the absence of conclusive functional and genetic evidence.

Blueprint Genetics
Classification: Uncertain significance. Last evaluated: 2024-02-26. Review status: criteria provided, single submitter. Criteria: ACMG Guidelines, 2015. Collection method: clinical testing. Allele origin: germline.

Labcorp Genetics (formerly Invitae), Labcorp
Classification: Uncertain significance. Last evaluated: 2020-02-23. Review status: criteria provided, single submitter. Criteria: Invitae Variant Classification Sherloc (09022015). Collection method: clinical testing. Allele origin: germline.
Comment: In summary, the available evidence is currently insufficient to determine the role of this variant in disease. Therefore, it has been classified as a Variant of Uncertain Significance. Algorithms developed to predict the effect of missense changes on protein structure and function are either unavailable or do not agree on the potential impact of this missense change (SIFT: "Deleterious"; PolyPhen-2: "Probably Damaging"; Align-GVGD: "Class C0"). This variant has not been reported in the literature in individuals with CACNA1F-related conditions. This variant is present in population databases (rs781925366, ExAC 0.01%). This sequence change replaces arginine with glutamine at codon 691 of the CACNA1F protein (p.Arg691Gln). The arginine residue is highly conserved and there is a small physicochemical difference between arginine and glutamine.

NM_001256789.3(CACNA1F):c.2039G>A (p.Arg680Gln)

Gene: CACNA1F (calcium voltage-gated channel subunit alpha1 F; minus strand). Cytogenetic location: Xp11.23.
Variant type: single nucleotide variant.
Coding change: c.2039G>A on transcript NM_001256789.3 (MANE Select); coding-DNA position 2039, G replaced by A.
Protein change: p.Arg680Gln; replaces arginine 680 with glutamine.
Molecular consequence: missense variant.
Genome position (GRCh38, 1-based): chrX:49,222,975, C>T on the plus strand (G>A on the coding strand, the complement: CACNA1F is on the minus strand). VCF-style: chrX-49222975-C-T. GRCh37 (hg19) VCF-style: chrX-49079434-C-T.
Other names: c.1877G>A, p.Arg626Gln (NM_001256790.3); c.2072G>A, p.Arg691Gln (NM_005183.4); short protein forms R626Q, R680Q, R691Q.
Identifiers: ClinVar variation 967253 (VCV000967253.11), dbSNP rs781925366, ClinGen allele CA10410756.